The following is an entry in ClinVar:

ClinVar aggregate classification (germline): Uncertain significance (1 of 4 stars; one submission).

Submission:

GeneDx
Classification: Uncertain significance. Last evaluated: 2024-01-18. Review status: criteria provided, single submitter. Criteria: GeneDx Variant Classification Process June 2021. Collection method: clinical testing. Allele origin: germline. Affected: yes.
Comment: Not observed at significant frequency in large population cohorts (gnomAD); In silico analysis supports that this missense variant does not alter protein structure/function; Has not been previously published as pathogenic or benign to our knowledge

NM_001375524.1(TRRAP):c.9076G>T (p.Ala3026Ser)

Gene: TRRAP (transformation/transcription domain associated protein; plus strand). Cytogenetic location: 7q22.1.
Variant type: single nucleotide variant.
Coding change: c.9076G>T on transcript NM_001375524.1 (MANE Select); coding-DNA position 9076, G replaced by T.
Protein change: p.Ala3026Ser; replaces alanine 3026 with serine.
Molecular consequence: missense variant.
Genome position (GRCh38, 1-based): chr7:98,984,146, G>T. VCF-style: chr7-98984146-G-T. GRCh37 (hg19) VCF-style: chr7-98581769-G-T.
Other names: c.9088G>T, p.Ala3030Ser (NM_001244580.2); c.9001G>T, p.Ala3001Ser (NM_003496.4); short protein forms A3001S, A3026S, A3030S.
Identifiers: ClinVar variation 1695878 (VCV001695878.3), dbSNP rs2116765425, ClinGen allele CA368315255.